The following is an entry in ClinVar:

NM_003119.4(SPG7):c.2256T>A (p.His752Gln)

Gene: SPG7 (SPG7 matrix AAA peptidase subunit, paraplegin; plus strand). Cytogenetic location: 16q24.3.
Variant type: single nucleotide variant.
Coding change: c.2256T>A on transcript NM_003119.4 (MANE Select); coding-DNA position 2256, T replaced by A.
Protein change: p.His752Gln; replaces histidine 752 with glutamine.
Molecular consequence: missense variant. On other transcripts: 3 prime UTR variant (1).
Genome position (GRCh38, 1-based): chr16:89,556,961, T>A. VCF-style: chr16-89556961-T-A. GRCh37 (hg19) VCF-style: chr16-89623369-T-A.
Other names: c.*34T>A (NM_001363850.1); short protein forms H752Q.
Identifiers: ClinVar variation 4993692 (VCV004993692.1).

ClinVar aggregate classification (germline): Uncertain significance (1 of 4 stars; one submission).

Conditions:
SPG7-related disorder. Also called: SPG7-related condition.

Submission:

PreventionGenetics, part of Exact Sciences
Classification: Uncertain significance for SPG7-related condition. Last evaluated: 2026-09-04. Review status: criteria provided, single submitter. Criteria: ACMG Guidelines, 2015. Collection method: clinical testing. Allele origin: germline.
Comment: The SPG7 c.2256T>A variant is predicted to result in the amino acid substitution p.His752Gln. To our knowledge, this variant has not been reported in the literature or in a large population database (gnomAD), indicating this variant is rare. At this time, the clinical significance of this variant is uncertain due to the absence of conclusive functional and genetic evidence.